The following is an entry in ClinVar:

NM_015978.3(TNNI3K):c.2087C>A (p.Ser696Tyr)

Genes: FPGT-TNNI3K (FPGT-TNNI3K readthrough; plus strand), TNNI3K (TNNI3 interacting kinase; plus strand). Cytogenetic location: 1p31.1.
Variant type: single nucleotide variant.
Coding change: c.2087C>A on transcript NM_015978.3 (MANE Select); coding-DNA position 2087, C replaced by A.
Protein change: p.Ser696Tyr; replaces serine 696 with tyrosine.
Molecular consequence: missense variant.
Genome position (GRCh38, 1-based): chr1:74,463,516, C>A. VCF-style: chr1-74463516-C-A. GRCh37 (hg19) VCF-style: chr1-74929200-C-A.
Other names: c.2390C>A, p.Ser797Tyr (NM_001112808.3, NM_001199327.2); short protein forms S797Y, S696Y.
Identifiers: ClinVar variation 2713885 (VCV002713885.3), dbSNP rs2524831872, ClinGen allele CA340787558.

ClinVar aggregate classification (germline): Uncertain significance (1 of 4 stars; one submission).

Allele frequency attached by ClinVar (database versions not stated): gnomAD exomes below 0.00001.
gnomAD v4.1: 3 of 1,614,212 alleles (0.00019%); highest among the groups gnomAD compares: Non-Finnish European, 0.00025%; no homozygotes.

Submission:

Labcorp Genetics (formerly Invitae), Labcorp
Classification: Uncertain significance. Last evaluated: 2024-01-28. Review status: criteria provided, single submitter. Criteria: Invitae Variant Classification Sherloc (09022015). Collection method: clinical testing. Allele origin: germline.
Comment: This sequence change replaces serine, which is neutral and polar, with tyrosine, which is neutral and polar, at codon 696 of the TNNI3K protein (p.Ser696Tyr). This variant is not present in population databases (gnomAD no frequency). This variant has not been reported in the literature in individuals affected with TNNI3K-related conditions. An algorithm developed to predict the effect of missense changes on protein structure and function (PolyPhen-2) suggests that this variant is likely to be tolerated. In summary, the available evidence is currently insufficient to determine the role of this variant in disease. Therefore, it has been classified as a Variant of Uncertain Significance.